The following is an entry in ClinVar:

NM_006846.4(SPINK5):c.1298T>G (p.Phe433Cys)

Gene: SPINK5 (serine peptidase inhibitor Kazal type 5; plus strand). Cytogenetic location: 5q32.
Variant type: single nucleotide variant.
Coding change: c.1298T>G on transcript NM_006846.4 (MANE Select); coding-DNA position 1298, T replaced by G.
Protein change: p.Phe433Cys; replaces phenylalanine 433 with cysteine.
Molecular consequence: missense variant.
Genome position (GRCh38, 1-based): chr5:148,101,432, T>G. VCF-style: chr5-148101432-T-G. GRCh37 (hg19) VCF-style: chr5-147480995-T-G.
Other names: c.1298T>G, p.Phe433Cys (NM_001127698.2, NM_001127699.2); short protein forms F433C.
Identifiers: ClinVar variation 2105772 (VCV002105772.4), dbSNP rs2531729094, ClinGen allele CA361637017.

ClinVar aggregate classification (germline): Uncertain significance (1 of 4 stars; one submission).

Conditions:
Ichthyosis linearis circumflexa. Identifiers: MedGen C0265962, MONDO:0043106, HP:0025810.

Submission:

Labcorp Genetics (formerly Invitae), Labcorp
Classification: Uncertain significance for Ichthyosis linearis circumflexa. Last evaluated: 2024-12-02. Review status: criteria provided, single submitter. Criteria: Invitae Variant Classification Sherloc (09022015). Collection method: clinical testing. Allele origin: germline.
Comment: This sequence change replaces phenylalanine, which is neutral and non-polar, with cysteine, which is neutral and slightly polar, at codon 433 of the SPINK5 protein (p.Phe433Cys). This variant is not present in population databases (gnomAD no frequency). This variant has not been reported in the literature in individuals affected with SPINK5-related conditions. ClinVar contains an entry for this variant (Variation ID: 2105772). Invitae Evidence Modeling of protein sequence and biophysical properties (such as structural, functional, and spatial information, amino acid conservation, physicochemical variation, residue mobility, and thermodynamic stability) indicates that this missense variant is not expected to disrupt SPINK5 protein function with a negative predictive value of 80%. In summary, the available evidence is currently insufficient to determine the role of this variant in disease. Therefore, it has been classified as a Variant of Uncertain Significance.